The following is an entry in ClinVar:

NM_000285.4(PEPD):c.1060_1094dup (p.His366fs)

Gene: PEPD (peptidase D; minus strand). Cytogenetic location: 19q13.11.
Variant type: Duplication.
Coding change: c.1060_1094dup on transcript NM_000285.4 (MANE Select); coding-DNA positions 1060 to 1094, 35 bases duplicated.
Protein change: p.His366fs; shifts the reading frame from histidine 366.
Molecular consequence: frameshift variant.
Genome position (GRCh38, 1-based): chr19:33,391,353-33,391,387, 35 bases duplicated; duplicating any 35 consecutive bases within chr19:33,391,353-33,391,390 gives the same sequence; the c. name uses the placement nearest the transcript's 3' end. GRCh37 (hg19): chr19:33,882,262-33,882,296.
Other names: c.937_971dup, p.His325fs (NM_001166056.2); c.868_902dup, p.His302fs (NM_001166057.2); short protein forms H325fs, H302fs, H366fs.
Identifiers: ClinVar variation 2749223 (VCV002749223.3), dbSNP rs2513380433, ClinGen allele CA2697556458.

ClinVar aggregate classification (germline): Pathogenic (1 of 4 stars; one submission).

Submission:

Labcorp Genetics (formerly Invitae), Labcorp
Classification: Pathogenic. Last evaluated: 2023-08-02. Review status: criteria provided, single submitter. Criteria: Invitae Variant Classification Sherloc (09022015). Collection method: clinical testing. Allele origin: germline.
Comment: This variant has not been reported in the literature in individuals affected with PEPD-related conditions. This sequence change creates a premature translational stop signal (p.His366Trpfs*104) in the PEPD gene. While this is not anticipated to result in nonsense mediated decay, it is expected to disrupt the last 128 amino acid(s) of the PEPD protein. This variant is not present in population databases (gnomAD no frequency). This variant disrupts a region of the PEPD protein in which other variant(s) (p.Gly448Arg) have been determined to be pathogenic (PMID: 8198124, 12384772, 17142620, 25460580). This suggests that this is a clinically significant region of the protein, and that variants that disrupt it are likely to be disease-causing. For these reasons, this variant has been classified as Pathogenic.

Literature cited by the submitters: PubMed 8198124; PubMed 12384772; PubMed 17142620; PubMed 25460580.